The following is an entry in ClinVar:

ClinVar aggregate classification (germline): Uncertain significance (1 of 4 stars; one submission).

Conditions:
Early-infantile DEE. Also called: Ohtahara syndrome; Early infantile epileptic encephalopathy with suppression bursts; Early infantile epileptic encephalopathy. Identifiers: Orphanet 1934, MedGen C0393706, MONDO:0800491.

Allele frequency attached by ClinVar (database versions not stated): gnomAD exomes below 0.00001; TOPMed below 0.00001.
gnomAD v4.1: 3 of 1,614,020 alleles (0.00019%); highest among the groups gnomAD compares: Non-Finnish European, 0.00025%; no homozygotes.

Submission:

Labcorp Genetics (formerly Invitae), Labcorp
Classification: Uncertain significance for Early-infantile DEE. Last evaluated: 2024-03-06. Review status: criteria provided, single submitter. Criteria: Invitae Variant Classification Sherloc (09022015). Collection method: clinical testing. Allele origin: germline.
Comment: This sequence change replaces isoleucine, which is neutral and non-polar, with valine, which is neutral and non-polar, at codon 1448 of the SCN8A protein (p.Ile1448Val). This variant is not present in population databases (gnomAD no frequency). This variant has not been reported in the literature in individuals affected with SCN8A-related conditions. ClinVar contains an entry for this variant (Variation ID: 838050). Advanced modeling of protein sequence and biophysical properties (such as structural, functional, and spatial information, amino acid conservation, physicochemical variation, residue mobility, and thermodynamic stability) has been performed at Invitae for this missense variant, however the output from this modeling did not meet the statistical confidence thresholds required to predict the impact of this variant on SCN8A protein function. In summary, the available evidence is currently insufficient to determine the role of this variant in disease. Therefore, it has been classified as a Variant of Uncertain Significance.

NM_001330260.2(SCN8A):c.4342A>G (p.Ile1448Val)

Gene: SCN8A (sodium voltage-gated channel alpha subunit 8; plus strand). Cytogenetic location: 12q13.13.
Variant type: single nucleotide variant.
Coding change: c.4342A>G on transcript NM_001330260.2 (MANE Select); coding-DNA position 4342, A replaced by G.
Protein change: p.Ile1448Val; replaces isoleucine 1448 with valine.
Molecular consequence: missense variant.
Genome position (GRCh38, 1-based): chr12:51,789,341, A>G. VCF-style: chr12-51789341-A-G. GRCh37 (hg19) VCF-style: chr12-52183125-A-G.
Other names: c.4219A>G, p.Ile1407Val (NM_001177984.3, NM_001369788.1); c.4342A>G, p.Ile1448Val (NM_014191.4); short protein forms I1407V, I1448V.
Identifiers: ClinVar variation 838050 (VCV000838050.10), dbSNP rs1938178108, ClinGen allele CA384908312.